The following is an entry in ClinVar:

ClinVar aggregate classification (germline): Uncertain significance. Review status: criteria provided, multiple submitters, no conflicts (2 of 4 stars). 3 submissions from 3 submitters: Uncertain significance (3). Last evaluated 2025-05-12.

Conditions:
Hereditary breast ovarian cancer syndrome. Also called: Hereditary breast and ovarian cancer syndrome; Hereditary breast and ovarian cancer; Hereditary breast and ovarian cancer syndrome (HBOC); Breast and ovarian cancer; Hereditary breast and/or ovarian cancer syndrome; BRCA1- and BRCA2-Associated Hereditary Breast and Ovarian Cancer. Identifiers: Orphanet 145, MedGen C0677776, MeSH D061325, MONDO:0003582. Disease mechanism: loss of function.
Hereditary cancer-predisposing syndrome. Also called: Neoplastic Syndromes, Hereditary; Tumor predisposition; Hereditary Cancer Syndrome; Hereditary neoplastic syndrome. Identifiers: Orphanet 140162, MedGen C0027672, MeSH D009386, MONDO:0015356.

Submissions (3):

Labcorp Genetics (formerly Invitae), Labcorp
Classification: Uncertain significance for Hereditary breast ovarian cancer syndrome. Last evaluated: 2025-05-12. Review status: criteria provided, single submitter. Criteria: Invitae Variant Classification Sherloc (09022015). Collection method: clinical testing. Allele origin: germline.
Comment: This sequence change falls in intron 3 of the BRCA2 gene. It does not directly change the encoded amino acid sequence of the BRCA2 protein. It affects a nucleotide within the consensus splice site. This variant is not present in population databases (gnomAD no frequency). This variant has not been reported in the literature in individuals affected with BRCA2-related conditions. ClinVar contains an entry for this variant (Variation ID: 485448). Variants that disrupt the consensus splice site are a relatively common cause of aberrant splicing (PMID: 17576681, 9536098). Algorithms developed to predict the effect of sequence changes on RNA splicing suggest that this variant is not likely to affect RNA splicing. In summary, the available evidence is currently insufficient to determine the role of this variant in disease. Therefore, it has been classified as a Variant of Uncertain Significance.

Ambry Genetics
Classification: Uncertain significance for Hereditary cancer-predisposing syndrome. Last evaluated: 2024-01-17. Review status: criteria provided, single submitter. Criteria: Ambry Variant Classification Scheme 2023. Collection method: clinical testing. Allele origin: germline.
Comment: The c.316+3A>G intronic variant results from an A to G substitution 3 nucleotides after coding exon 2 in the BRCA2 gene. This nucleotide position is not well conserved in available vertebrate species. In silico splice site analysis predicts that this alteration will not have any significant effect on splicing. Based on the available evidence, the clinical significance of this alteration remains unclear.

Quest Diagnostics Nichols Institute San Juan Capistrano
Classification: Uncertain significance. Last evaluated: 2018-09-25. Review status: criteria provided, single submitter. Criteria: Quest Diagnostics criteria. Collection method: clinical testing. Allele origin: germline.

Literature cited by the submitters: PubMed 17576681 (cited by Labcorp Genetics (formerly Invitae), Labcorp); PubMed 9536098 (cited by Labcorp Genetics (formerly Invitae), Labcorp).

NM_000059.4(BRCA2):c.316+3A>G

Gene: BRCA2 (BRCA2 DNA repair associated; plus strand). Cytogenetic location: 13q13.1.
Variant type: single nucleotide variant.
Coding change: c.316+3A>G on transcript NM_000059.4 (MANE Select); 3 bases into the intron after coding-DNA position 316, A replaced by G.
Molecular consequence: intron variant.
Genome position (GRCh38, 1-based): chr13:32,319,328, A>G. VCF-style: chr13-32319328-A-G. GRCh37 (hg19) VCF-style: chr13-32893465-A-G.
Identifiers: ClinVar variation 485448 (VCV000485448.15), dbSNP rs1555280438, ClinGen allele CA658656337.
Genomic context (GRCh38, chr13:32,319,328, plus strand): 5'-ACTCTGCCGCTGTACCAATCTCCTGTAAAAGAATTAGATAAATTCAAATTAGACTTAGGT[A>G]AGTAATGCAATATGGTAGACTGGGGAGAACTACAAACTAGGAATTTAGGCAAACCTGTGT-3'